The following is an entry in ClinVar:

ClinVar aggregate classification (germline): Uncertain significance (1 of 4 stars; one submission).

Allele frequency attached by ClinVar (database versions not stated): gnomAD exomes below 0.00001.
gnomAD v4.1: 1 of 1,611,510 alleles (0.000062%); highest among the groups gnomAD compares: Non-Finnish European, 0.000085%; no homozygotes.

Submission:

Labcorp Genetics (formerly Invitae), Labcorp
Classification: Uncertain significance. Last evaluated: 2023-10-13. Review status: criteria provided, single submitter. Criteria: Invitae Variant Classification Sherloc (09022015). Collection method: clinical testing. Allele origin: germline.
Comment: This sequence change replaces cysteine, which is neutral and slightly polar, with phenylalanine, which is neutral and non-polar, at codon 753 of the VAV1 protein (p.Cys753Phe). This variant is not present in population databases (gnomAD no frequency). This variant has not been reported in the literature in individuals affected with VAV1-related conditions. An algorithm developed to predict the effect of missense changes on protein structure and function (PolyPhen-2) suggests that this variant is likely to be disruptive. In summary, the available evidence is currently insufficient to determine the role of this variant in disease. Therefore, it has been classified as a Variant of Uncertain Significance.

NM_005428.4(VAV1):c.2258G>T (p.Cys753Phe)

Gene: VAV1 (vav guanine nucleotide exchange factor 1; plus strand). Cytogenetic location: 19p13.3.
Variant type: single nucleotide variant.
Coding change: c.2258G>T on transcript NM_005428.4 (MANE Select); coding-DNA position 2258, G replaced by T.
Protein change: p.Cys753Phe; replaces cysteine 753 with phenylalanine.
Molecular consequence: missense variant.
Genome position (GRCh38, 1-based): chr19:6,853,005, G>T. VCF-style: chr19-6853005-G-T. GRCh37 (hg19) VCF-style: chr19-6853016-G-T.
Other names: c.2192G>T, p.Cys731Phe (NM_001258206.2); c.2162G>T, p.Cys721Phe (NM_001258207.2); short protein forms C753F, C731F, C721F.
Identifiers: ClinVar variation 2771427 (VCV002771427.3), dbSNP rs2512408689, ClinGen allele CA403636607.